The following is an entry in ClinVar:

ClinVar aggregate classification (germline): Uncertain significance (1 of 4 stars; one submission).

Submission:

GeneDx
Classification: Uncertain significance. Last evaluated: 2020-02-14. Review status: criteria provided, single submitter. Criteria: GeneDx Variant Classification Process June 2021. Collection method: clinical testing. Allele origin: germline. Affected: yes.
Comment: Not observed in large population cohorts (Lek et al., 2016); In silico analysis supports that this missense variant has a deleterious effect on protein structure/function; Has not been previously published as pathogenic or benign to our knowledge

NM_006013.5(RPL10):c.121G>A (p.Ala41Thr)

Gene: RPL10 (ribosomal protein L10; plus strand). Cytogenetic location: Xq28.
Variant type: single nucleotide variant.
Coding change: c.121G>A on transcript NM_006013.5 (MANE Select); coding-DNA position 121, G replaced by A.
Protein change: p.Ala41Thr; replaces alanine 41 with threonine.
Molecular consequence: missense variant. On other transcripts: intron variant (1).
Genome position (GRCh38, 1-based): chrX:154,399,525, G>A. VCF-style: chrX-154399525-G-A. GRCh37 (hg19) VCF-style: chrX-153627866-G-A.
Other names: c.121G>A, p.Ala41Thr (NM_001256577.2, NM_001303624.2, NM_001303625.1 and 1 more transcripts); c.82+129G>A (NM_001256580.2); short protein forms A41T.
Identifiers: ClinVar variation 1314146 (VCV001314146.2), dbSNP rs2148137655, ClinGen allele CA415260920.